The following is an entry in ClinVar:

NM_000059.4(BRCA2):c.2984G>A (p.Gly995Glu)

Gene: BRCA2 (BRCA2 DNA repair associated; plus strand). Cytogenetic location: 13q13.1.
Variant type: single nucleotide variant.
Coding change: c.2984G>A on transcript NM_000059.4 (MANE Select); coding-DNA position 2984, G replaced by A.
Protein change: p.Gly995Glu; replaces glycine 995 with glutamic acid.
Molecular consequence: missense variant.
Genome position (GRCh38, 1-based): chr13:32,337,339, G>A. VCF-style: chr13-32337339-G-A. GRCh37 (hg19) VCF-style: chr13-32911476-G-A.
Other names: c.2984G>A (NM_000059.3); short protein forms G995E.
Identifiers: ClinVar variation 1034791 (VCV001034791.12), dbSNP rs397507299, ClinGen allele CA387774577.

ClinVar aggregate classification (germline): Conflicting classifications of pathogenicity. Review status: criteria provided, conflicting classifications (1 of 4 stars). 3 submissions from 3 submitters: Uncertain significance (2); Likely benign (1). Last evaluated 2023-03-23.

Conditions:
Hereditary cancer-predisposing syndrome. Also called: Hereditary neoplastic syndrome; Neoplastic Syndromes, Hereditary; Tumor predisposition; Hereditary Cancer Syndrome. Identifiers: Orphanet 140162, MedGen C0027672, MeSH D009386, MONDO:0015356.
Hereditary breast ovarian cancer syndrome. Also called: Hereditary breast and ovarian cancer syndrome; Hereditary breast and/or ovarian cancer syndrome; Hereditary breast and ovarian cancer; Hereditary breast and ovarian cancer syndrome (HBOC); Breast and ovarian cancer; BRCA1- and BRCA2-Associated Hereditary Breast and Ovarian Cancer. Identifiers: Orphanet 145, MedGen C0677776, MeSH D061325, MONDO:0003582. Disease mechanism: loss of function.

Allele frequency attached by ClinVar (database versions not stated): gnomAD below 0.00001 and 0.00001; gnomAD exomes below 0.00001.
gnomAD v4.1: 2 of 1,613,594 alleles (0.00012%); highest among the groups gnomAD compares: East Asian, 0.0022%; no homozygotes.

Submissions (3):

University of Washington Department of Laboratory Medicine, University of Washington
Classification: Likely benign for Hereditary cancer-predisposing syndrome. Last evaluated: 2023-03-23. Review status: criteria provided, single submitter. Criteria: Dines et al. (Genet Med. 2020). Collection method: curation. Allele origin: germline.
Comment: Missense variant in a coldspot region where missense variants are very unlikely to be pathogenic (PMID:31911673).

BRCA2 exon 11 coldspot. Reclassification based on statistical prior probability.

Ambry Genetics
Classification: Uncertain significance for Hereditary cancer-predisposing syndrome. Last evaluated: 2022-12-09. Review status: criteria provided, single submitter. Criteria: Ambry Variant Classification Scheme 2023. Collection method: clinical testing. Allele origin: germline.
Comment: The p.G995E variant (also known as c.2984G>A), located in coding exon 10 of the BRCA2 gene, results from a G to A substitution at nucleotide position 2984. The glycine at codon 995 is replaced by glutamic acid, an amino acid with similar properties. This amino acid position is not well conserved in available vertebrate species. In addition, this alteration is predicted to be tolerated by in silico analysis. Since supporting evidence is limited at this time, the clinical significance of this alteration remains unclear.

Labcorp Genetics (formerly Invitae), Labcorp
Classification: Uncertain significance for Hereditary breast ovarian cancer syndrome. Last evaluated: 2020-04-30. Review status: criteria provided, single submitter. Criteria: Invitae Variant Classification Sherloc (09022015). Collection method: clinical testing. Allele origin: germline.
Comment: This sequence change replaces glycine with glutamic acid at codon 995 of the BRCA2 protein (p.Gly995Glu). The glycine residue is weakly conserved and there is a moderate physicochemical difference between glycine and glutamic acid. This variant is not present in population databases (ExAC no frequency). This variant has not been reported in the literature in individuals with BRCA2-related conditions. Algorithms developed to predict the effect of missense changes on protein structure and function output the following: SIFT: "Tolerated"; PolyPhen-2: "Benign"; Align-GVGD: "Class C0". The glutamic acid amino acid residue is found in multiple mammalian species, suggesting that this missense change does not adversely affect protein function. These predictions have not been confirmed by published functional studies and their clinical significance is uncertain. In summary, the available evidence is currently insufficient to determine the role of this variant in disease. Therefore, it has been classified as a Variant of Uncertain Significance.